The following is an entry in ClinVar:

ClinVar aggregate classification (germline): Uncertain significance (1 of 4 stars; one submission).

Allele frequency attached by ClinVar (database versions not stated): ESP Exome Variant Server 0.00008.
gnomAD v4.1: 20 of 1,613,490 alleles (0.0012%); highest among the groups gnomAD compares: South Asian, 0.0099%; no homozygotes.

Submission:

Labcorp Genetics (formerly Invitae), Labcorp
Classification: Uncertain significance. Last evaluated: 2024-05-29. Review status: criteria provided, single submitter. Criteria: Invitae Variant Classification Sherloc (09022015). Collection method: clinical testing. Allele origin: germline.
Comment: This sequence change replaces arginine, which is basic and polar, with glutamine, which is neutral and polar, at codon 1607 of the HMCN1 protein (p.Arg1607Gln). This variant is present in population databases (rs370332057, gnomAD 0.003%). This variant has not been reported in the literature in individuals affected with HMCN1-related conditions. ClinVar contains an entry for this variant (Variation ID: 2068766). Algorithms developed to predict the effect of missense changes on protein structure and function output the following: SIFT: "Not Available"; PolyPhen-2: "Probably Damaging"; Align-GVGD: "Not Available". The glutamine amino acid residue is found in multiple mammalian species, which suggests that this missense change does not adversely affect protein function. In summary, the available evidence is currently insufficient to determine the role of this variant in disease. Therefore, it has been classified as a Variant of Uncertain Significance.

NM_031935.3(HMCN1):c.4820G>A (p.Arg1607Gln)

Gene: HMCN1 (hemicentin 1; plus strand). Cytogenetic location: 1q31.1.
Variant type: single nucleotide variant.
Coding change: c.4820G>A on transcript NM_031935.3 (MANE Select); coding-DNA position 4820, G replaced by A.
Protein change: p.Arg1607Gln; replaces arginine 1607 with glutamine.
Molecular consequence: missense variant.
Genome position (GRCh38, 1-based): chr1:186,015,348, G>A. VCF-style: chr1-186015348-G-A. GRCh37 (hg19) VCF-style: chr1-185984480-G-A.
Other names: short protein forms R1607Q.
Identifiers: ClinVar variation 2068766 (VCV002068766.4), dbSNP rs370332057, ClinGen allele CA1292108.